The following is an entry in ClinVar:

ClinVar aggregate classification (germline): Benign/Likely benign. Review status: criteria provided, multiple submitters, no conflicts (2 of 4 stars). 8 submissions from 8 submitters: Benign (6); Likely benign (2). Last evaluated 2026-03-31.

Conditions:
Cardiovascular phenotype. Identifiers: MedGen CN230736.
Ehlers-Danlos syndrome (EDS). Identifiers: Orphanet 98249, MedGen C0013720, MONDO:0020066.
Brittle cornea syndrome 1 (BCS1). Also called: Corneal fragility keratoglobus, blue sclerae AND joint hypermobility; DYSGENESIS MESODERMALIS CORNEAE ET SCLERAE; CORNEAL FRAGILITY, KERATOGLOBUS, BLUE SCLERAE, JOINT HYPEREXTENSIBILITY; EDS6B; FRAGILITAS OCULI WITH JOINT HYPEREXTENSIBILITY. Identifiers: Orphanet 90354, MedGen C0268344, MONDO:0024543, OMIM 229200.

Allele frequency attached by ClinVar (database versions not stated): ExAC 0.00781; gnomAD 0.02021 and 0.02164; 1000 Genomes Project 0.02037; 1000 Genomes Project 30x 0.02046; TOPMed 0.02237.
gnomAD v4.1: 5,912 of 1,549,900 alleles (0.38%); highest among the groups gnomAD compares: African/African-American, 7%; 192 homozygotes.

Submissions (8):

Women's Health and Genetics/Laboratory Corporation of America, LabCorp
Classification: Likely benign. Last evaluated: 2026-03-31. Review status: criteria provided, single submitter. Criteria: LabCorp Variant Classification Summary - May 2015. Collection method: clinical testing. Allele origin: germline.

Labcorp Genetics (formerly Invitae), Labcorp
Classification: Benign. Last evaluated: 2026-02-04. Review status: criteria provided, single submitter. Criteria: Invitae Variant Classification Sherloc (09022015). Collection method: clinical testing. Allele origin: germline.

Mayo Clinic Laboratories, Mayo Clinic
Classification: Benign. Last evaluated: 2023-01-23. Review status: criteria provided, single submitter. Criteria: ACMG Guidelines, 2015. Collection method: clinical testing. Allele origin: germline. Observed: 19 variant alleles.

Genome Diagnostics Laboratory, The Hospital for Sick Children
Classification: Benign for Ehlers-Danlos syndrome. Last evaluated: 2022-06-13. Review status: criteria provided, single submitter. Criteria: ACMG Guidelines, 2015. Collection method: clinical testing. Allele origin: germline.

Genome-Nilou Lab
Classification: Benign for Brittle cornea syndrome 1. Last evaluated: 2021-12-05. Review status: criteria provided, single submitter. Criteria: ACMG Guidelines, 2015. Collection method: clinical testing. Allele origin: germline. Affected: no.

Ambry Genetics
Classification: Benign for Cardiovascular phenotype. Last evaluated: 2019-05-15. Review status: criteria provided, single submitter. Criteria: Ambry Variant Classification Scheme 2023. Collection method: clinical testing. Allele origin: germline.

GeneDx
Classification: Benign. Last evaluated: 2016-11-30. Review status: criteria provided, single submitter. Criteria: GeneDx Variant Classification (06012015). Collection method: clinical testing. Allele origin: germline. Affected: yes.
Comment: This variant is considered likely benign or benign based on one or more of the following criteria: it is a conservative change, it occurs at a poorly conserved position in the protein, it is predicted to be benign by multiple in silico algorithms, and/or has population frequency not consistent with disease.

Breakthrough Genomics
Classification: Likely benign. Review status: criteria provided, single submitter. Criteria: ACMG Guidelines, 2015. Collection method: not provided. Allele origin: germline. Inheritance: Autosomal recessive inheritance. Affected: yes.

NM_001367624.2(ZNF469):c.4406A>G (p.Tyr1469Cys)

Gene: ZNF469 (zinc finger protein 469; plus strand). Cytogenetic location: 16q24.2.
Variant type: single nucleotide variant.
Coding change: c.4406A>G on transcript NM_001367624.2 (MANE Select); coding-DNA position 4406, A replaced by G.
Protein change: p.Tyr1469Cys; replaces tyrosine 1469 with cysteine.
Molecular consequence: missense variant.
Genome position (GRCh38, 1-based): chr16:88,431,876, A>G. VCF-style: chr16-88431876-A-G. GRCh37 (hg19) VCF-style: chr16-88498284-A-G.
Other names: NM_001127464.1:c.4322A>G; NM_001127464.2:c.4322A>G; p.Tyr1469Cys; short protein forms Y1469C.
Identifiers: ClinVar variation 320922 (VCV000320922.22), dbSNP rs116072997, ClinGen allele CA8224949.